The following is an entry in ClinVar:

NM_000936.4(PNLIP):c.1230G>A (p.Gly410=)

Gene: PNLIP (pancreatic lipase; plus strand). Cytogenetic location: 10q25.3.
Variant type: single nucleotide variant.
Coding change: c.1230G>A on transcript NM_000936.4 (MANE Select); coding-DNA position 1230, G replaced by A.
Protein change: p.Gly410=; no amino-acid change (glycine 410 retained).
Molecular consequence: synonymous variant.
Genome position (GRCh38, 1-based): chr10:116,561,532, G>A. VCF-style: chr10-116561532-G-A. GRCh37 (hg19) VCF-style: chr10-118321044-G-A.
Other names: c.1230G>A (NM_000936.3).
Identifiers: ClinVar variation 2719271 (VCV002719271.5), dbSNP rs769952171, ClinGen allele CA5706743.
Genomic context (GRCh38, chr10:116,561,532, plus strand): 5'-GGGCACTCTCAAACCAGATAGTACTCATTCCAATGAATTTGACTCAGATGTGGATGTTGG[G>A]GACTTGCAGATGGTTAAATTTATTTGGTATAACAATGTGATCAACCCAACTTTACCTAGA-3'
Protein context (NP_000927.1, residues 400-420): SNEFDSDVDV[Gly410=]DLQMVKFIWY

ClinVar aggregate classification (germline): Likely benign. Review status: criteria provided, single submitter (1 of 4 stars). 2 submissions from 2 submitters: Likely benign (1). 1 of the submissions does not count toward it. Last evaluated 2023-02-09.

Conditions:
PNLIP-related disorder. Also called: PNLIP-related condition.

Allele frequency attached by ClinVar (database versions not stated): ExAC 0.00001; gnomAD 0.00001; TOPMed 0.00001; gnomAD exomes 0.00002.
gnomAD v4.1: 35 of 1,613,448 alleles (0.0022%); highest among the groups gnomAD compares: Non-Finnish European, 0.0028%; no homozygotes.

Submissions (2):

Labcorp Genetics (formerly Invitae), Labcorp
Classification: Likely benign. Last evaluated: 2023-02-09. Review status: criteria provided, single submitter. Criteria: Invitae Variant Classification Sherloc (09022015). Collection method: clinical testing. Allele origin: germline.

PreventionGenetics, part of Exact Sciences
Classification: Likely benign for PNLIP-related condition. Last evaluated: 2019-07-10. Review status: no assertion criteria provided. Collection method: clinical testing. Allele origin: germline. Not counted in ClinVar's aggregate classification.
Comment: This variant is classified as likely benign based on ACMG/AMP sequence variant interpretation guidelines (Richards et al. 2015 PMID: 25741868, with internal and published modifications).